The following is an entry in ClinVar:

ClinVar aggregate classification (germline): Uncertain significance (1 of 4 stars; one submission).

Submission:

Women's Health and Genetics/Laboratory Corporation of America, LabCorp
Classification: Uncertain significance. Last evaluated: 2025-01-03. Review status: criteria provided, single submitter. Criteria: LabCorp Variant Classification Summary - May 2015. Collection method: clinical testing. Allele origin: germline.
Comment: Variant summary: PRPH c.278C>T (p.Thr93Met) results in a non-conservative amino acid change located in the Intermediate filament head, DNA-binding domain (IPR006821) of the encoded protein sequence. Five of five in-silico tools predict a damaging effect of the variant on protein function. The frequency data for this variant in gnomAD is considered unreliable, as metrics indicate poor data quality at this position. To our knowledge, no occurrence of c.278C>T in individuals affected with Amyotrophic lateral sclerosis type 1 and no experimental evidence demonstrating its impact on protein function have been reported. No submitters have cited clinical-significance assessments for this variant to ClinVar. Based on the evidence outlined above, the variant was classified as uncertain significance.

NM_006262.4(PRPH):c.278C>T (p.Thr93Met)

Genes: PRPH (peripherin; plus strand), TROAP-AS1 (TROAP and PRPH antisense RNA 1; minus strand). Cytogenetic location: 12q13.12.
Variant type: single nucleotide variant.
Coding change: c.278C>T on transcript NM_006262.4 (MANE Select); coding-DNA position 278, C replaced by T.
Protein change: p.Thr93Met; replaces threonine 93 with methionine.
Molecular consequence: missense variant. On other transcripts: non-coding transcript variant (1).
Genome position (GRCh38, 1-based): chr12:49,295,478, C>T. VCF-style: chr12-49295478-C-T. GRCh37 (hg19) VCF-style: chr12-49689261-C-T.
Other names: short protein forms T93M.
Identifiers: ClinVar variation 3769289 (VCV003769289.2).